The following is an entry in ClinVar:

ClinVar aggregate classification (germline): Uncertain significance (1 of 4 stars; one submission).

gnomAD v4.1: 2 of 1,613,168 alleles (0.00012%); highest among the groups gnomAD compares: Non-Finnish European, 0.00017%; no homozygotes.

Submission:

CeGaT Center for Human Genetics Tuebingen
Classification: Uncertain significance. Last evaluated: 2024-01-01. Review status: criteria provided, single submitter. Criteria: CeGaT Center For Human Genetics Tuebingen Variant Classification Criteria Version 2. Collection method: clinical testing. Allele origin: germline. Affected: yes. Observed: 1 variant allele.
Comment: GRIA4: PM2

NM_000829.4(GRIA4):c.1735G>A (p.Glu579Lys)

Gene: GRIA4 (glutamate ionotropic receptor AMPA type subunit 4; plus strand). Cytogenetic location: 11q22.3.
Variant type: single nucleotide variant.
Coding change: c.1735G>A on transcript NM_000829.4 (MANE Select); coding-DNA position 1735, G replaced by A.
Protein change: p.Glu579Lys; replaces glutamic acid 579 with lysine.
Molecular consequence: missense variant. On other transcripts: non-coding transcript variant (1).
Genome position (GRCh38, 1-based): chr11:105,924,657, G>A. VCF-style: chr11-105924657-G-A. GRCh37 (hg19) VCF-style: chr11-105795383-G-A.
Other names: c.1735G>A, p.Glu579Lys (NM_001077243.3); short protein forms E579K.
Identifiers: ClinVar variation 3026398 (VCV003026398.22), dbSNP rs771379563, ClinGen allele CA382301366.
Genomic context (GRCh38, chr11:105,924,657, plus strand): 5'-AGCGTGGTCTTATTCCTAGTTAGTAGATTTAGTCCATATGAGTGGCACACAGAAGAGCCA[G>A]AGGACGGAAAGGAAGGACCCAGCGACCAGCCTCCCAATGAGTTTGGCATCTTTAACAGCC-3'
Protein context (NP_000820.4, residues 569-589): SPYEWHTEEP[Glu579Lys]DGKEGPSDQP